The following is an entry in ClinVar:

ClinVar aggregate classification (germline): Uncertain significance (1 of 4 stars; one submission).

Conditions:
SLC5A1-related disorder. Also called: SLC5A1-related condition.

Submission:

PreventionGenetics, part of Exact Sciences
Classification: Uncertain significance for SLC5A1-related condition. Last evaluated: 2023-04-05. Review status: criteria provided, single submitter. Criteria: ACMG Guidelines, 2015. Collection method: clinical testing. Allele origin: germline.
Comment: The SLC5A1 c.1406C>T variant is predicted to result in the amino acid substitution p.Ala469Val. To our knowledge, this variant has not been reported in the literature or in a large population database, indicating this variant is rare. At this time, the clinical significance of this variant is uncertain due to the absence of conclusive functional and genetic evidence.

NM_000343.4(SLC5A1):c.1406C>T (p.Ala469Val)

Gene: SLC5A1 (solute carrier family 5 member 1; plus strand). Cytogenetic location: 22q12.3.
Variant type: single nucleotide variant.
Coding change: c.1406C>T on transcript NM_000343.4 (MANE Select); coding-DNA position 1406, C replaced by T.
Protein change: p.Ala469Val; replaces alanine 469 with valine.
Molecular consequence: missense variant.
Genome position (GRCh38, 1-based): chr22:32,099,308, C>T. VCF-style: chr22-32099308-C-T. GRCh37 (hg19) VCF-style: chr22-32495295-C-T.
Other names: c.1025C>T, p.Ala342Val (NM_001256314.2); short protein forms A342V, A469V.
Identifiers: ClinVar variation 2633655 (VCV002633655.1), dbSNP rs2517673535, ClinGen allele CA411311838.